The following is an entry in ClinVar:

ClinVar aggregate classification (germline): Pathogenic (1 of 4 stars; one submission).

Conditions:
Danon disease. Also called: Glycogen Storage Disease Type IIb; ANTOPOL DISEASE; PSEUDOGLYCOGENOSIS II; GSD IIb; LYSOSOMAL GLYCOGEN STORAGE DISEASE WITHOUT ACID MALTASE DEFICIENCY. Identifiers: Orphanet 34587, MedGen C0878677, MONDO:0010281, OMIM 300257.

Submission:

Labcorp Genetics (formerly Invitae), Labcorp
Classification: Pathogenic for Danon disease. Last evaluated: 2021-06-01. Review status: criteria provided, single submitter. Criteria: Invitae Variant Classification Sherloc (09022015). Collection method: clinical testing. Allele origin: germline.
Comment: This sequence change creates a premature translational stop signal (p.Ser319Alafs*27) in the LAMP2 gene. It is expected to result in an absent or disrupted protein product. Loss-of-function variants in LAMP2 are known to be pathogenic (PMID: 21415759). This variant is not present in population databases (ExAC no frequency). This variant has not been reported in the literature in individuals with LAMP2-related conditions. For these reasons, this variant has been classified as Pathogenic.

Literature cited by the submitters: PubMed 21415759.

NM_002294.3(LAMP2):c.955del (p.Ser319fs)

Gene: LAMP2 (lysosome associated membrane protein 2; minus strand). Cytogenetic location: Xq24.
Variant type: Deletion.
Coding change: c.955del on transcript NM_002294.3 (MANE Select); coding-DNA position 955, one base deleted (A; older notation c.955delA).
Protein change: p.Ser319fs; shifts the reading frame from serine 319.
Molecular consequence: frameshift variant.
Genome position (GRCh38, 1-based): chrX:120,441,868, T deleted on the plus strand (A on the coding strand, the reverse complement: LAMP2 is on the minus strand). VCF-style (leftmost placement, unchanged base first): chrX-120441867-CT-C. GRCh37 (hg19) VCF-style: chrX-119575722-CT-C.
Other names: c.955del, p.Ser319fs (NM_001122606.1, NM_013995.2); short protein forms S319fs.
Identifiers: ClinVar variation 1369085 (VCV001369085.6), dbSNP rs2147278957, ClinGen allele CA2573159185.